The following is an entry in ClinVar:

ClinVar aggregate classification (germline): Likely benign. Review status: criteria provided, multiple submitters, no conflicts (2 of 4 stars). 3 submissions from 3 submitters: Likely benign (2). 1 of the submissions does not count toward it. Last evaluated 2023-08-24.

Conditions:
ERMARD-related disorder. Also called: ERMARD-related condition.

Allele frequency attached by ClinVar (database versions not stated): 1000 Genomes Project 30x 0.00156; TOPMed 0.00006; gnomAD exomes 0.00059 and 0.00023; 1000 Genomes Project 0.00180; gnomAD 0.00004 and 0.00019; ExAC 0.00067.
gnomAD v4.1: 370 of 1,613,992 alleles (0.023%); highest among the groups gnomAD compares: South Asian, 0.34%; 2 homozygotes.

Submissions (3):

Labcorp Genetics (formerly Invitae), Labcorp
Classification: Likely benign. Last evaluated: 2023-08-24. Review status: criteria provided, single submitter. Criteria: Invitae Variant Classification Sherloc (09022015). Collection method: clinical testing. Allele origin: germline.

GeneDx
Classification: Likely benign. Last evaluated: 2017-05-04. Review status: criteria provided, single submitter. Criteria: GeneDx Variant Classification (06012015). Collection method: clinical testing. Allele origin: germline. Affected: yes.
Comment: This variant is considered likely benign or benign based on one or more of the following criteria: it is a conservative change, it occurs at a poorly conserved position in the protein, it is predicted to be benign by multiple in silico algorithms, and/or has population frequency not consistent with disease.

PreventionGenetics, part of Exact Sciences
Classification: Likely benign for ERMARD-related condition. Last evaluated: 2020-06-01. Review status: no assertion criteria provided. Collection method: clinical testing. Allele origin: germline. Not counted in ClinVar's aggregate classification.
Comment: This variant is classified as likely benign based on ACMG/AMP sequence variant interpretation guidelines (Richards et al. 2015 PMID: 25741868, with internal and published modifications).

NM_018341.3(ERMARD):c.826G>A (p.Glu276Lys)

Gene: ERMARD (ER membrane associated RNA degradation; plus strand). Cytogenetic location: 6q27.
Variant type: single nucleotide variant.
Coding change: c.826G>A on transcript NM_018341.3 (MANE Select); coding-DNA position 826, G replaced by A.
Protein change: p.Glu276Lys; replaces glutamic acid 276 with lysine.
Molecular consequence: missense variant.
Genome position (GRCh38, 1-based): chr6:169,760,725, G>A. VCF-style: chr6-169760725-G-A. GRCh37 (hg19) VCF-style: chr6-170160821-G-A.
Other names: c.826G>A, p.Glu276Lys (NM_001278531.2, NM_001278533.2); c.448G>A, p.Glu150Lys (NM_001278532.2); short protein forms E276K, E150K.
Identifiers: ClinVar variation 507392 (VCV000507392.13), dbSNP rs573003364, ClinGen allele CA4106000.